The following is an entry in ClinVar:

ClinVar aggregate classification (germline): Pathogenic (1 of 4 stars; one submission).

Conditions:
Hyperphosphatasia with impaired intellectual development syndrome 2. Also called: Hyperphosphatasia with intellectual disability syndrome 2; GLYCOSYLPHOSPHATIDYLINOSITOL BIOSYNTHESIS DEFECT 6. Identifiers: Orphanet 247262, MedGen C3553637, MONDO:0013882, OMIM 614749.

Submission:

Labcorp Genetics (formerly Invitae), Labcorp
Classification: Pathogenic for Hyperphosphatasia with impaired intellectual development syndrome 2. Last evaluated: 2023-09-27. Review status: criteria provided, single submitter. Criteria: Invitae Variant Classification Sherloc (09022015). Collection method: clinical testing. Allele origin: germline.
Comment: This sequence change creates a premature translational stop signal (p.Gln790*) in the PIGO gene. It is expected to result in an absent or disrupted protein product. Loss-of-function variants in PIGO are known to be pathogenic (PMID: 22683086, 24417746). This variant is not present in population databases (gnomAD no frequency). This variant has not been reported in the literature in individuals affected with PIGO-related conditions. For these reasons, this variant has been classified as Pathogenic.

Literature cited by the submitters: PubMed 22683086; PubMed 24417746.

NM_032634.4(PIGO):c.2368C>T (p.Gln790Ter)

Gene: PIGO (phosphatidylinositol glycan anchor biosynthesis class O; minus strand). Cytogenetic location: 9p13.3.
Variant type: single nucleotide variant.
Coding change: c.2368C>T on transcript NM_032634.4 (MANE Select); coding-DNA position 2368, C replaced by T.
Protein change: p.Gln790Ter; replaces glutamine 790 with a stop codon.
Molecular consequence: nonsense. On other transcripts: intron variant (2).
Genome position (GRCh38, 1-based): chr9:35,091,519, G>A on the plus strand (C>T on the coding strand, the complement: PIGO is on the minus strand). VCF-style: chr9-35091519-G-A. GRCh37 (hg19) VCF-style: chr9-35091516-G-A.
Other names: c.1345-228C>T (NM_152850.4, NM_001201484.2); short protein forms Q790*.
Identifiers: ClinVar variation 2734011 (VCV002734011.3), dbSNP rs1430341179, ClinGen allele CA373320059.